The following is an entry in ClinVar:

ClinVar aggregate classification (germline): Uncertain significance (1 of 4 stars; one submission).

Conditions:
Amyotrophic lateral sclerosis type 21. Also called: VOCAL CORD AND PHARYNGEAL DYSFUNCTION WITH DISTAL MYOPATHY; MYOPATHY, DISTAL, 2. Identifiers: Orphanet 600, Orphanet 803, MedGen C3807521, MONDO:0011632, OMIM 606070.

Allele frequency attached by ClinVar (database versions not stated): TOPMed below 0.00001.

Submission:

Labcorp Genetics (formerly Invitae), Labcorp
Classification: Uncertain significance for Amyotrophic lateral sclerosis type 21. Last evaluated: 2022-01-21. Review status: criteria provided, single submitter. Criteria: Invitae Variant Classification Sherloc (09022015). Collection method: clinical testing. Allele origin: germline.
Comment: This variant is not present in population databases (gnomAD no frequency). This sequence change replaces leucine, which is neutral and non-polar, with isoleucine, which is neutral and non-polar, at codon 416 of the MATR3 protein (p.Leu416Ile). In summary, the available evidence is currently insufficient to determine the role of this variant in disease. Therefore, it has been classified as a Variant of Uncertain Significance. Algorithms developed to predict the effect of missense changes on protein structure and function are either unavailable or do not agree on the potential impact of this missense change (SIFT: "Deleterious"; PolyPhen-2: "Probably Damaging"; Align-GVGD: "Class C0"). This variant has not been reported in the literature in individuals affected with MATR3-related conditions.

NM_018834.6(MATR3):c.1246T>A (p.Leu416Ile)

Gene: MATR3 (matrin 3; plus strand). Cytogenetic location: 5q31.2.
Variant type: single nucleotide variant.
Coding change: c.1246T>A on transcript NM_018834.6 (MANE Select); coding-DNA position 1246, T replaced by A.
Protein change: p.Leu416Ile; replaces leucine 416 with isoleucine.
Molecular consequence: missense variant.
Genome position (GRCh38, 1-based): chr5:139,317,659, T>A. VCF-style: chr5-139317659-T-A. GRCh37 (hg19) VCF-style: chr5-138653348-T-A.
Other names: c.1246T>A, p.Leu416Ile (NM_001194954.2, NM_001194955.2, NM_001400441.1 and 16 more transcripts); c.382T>A, p.Leu128Ile (NM_001194956.2); c.232T>A, p.Leu78Ile (NM_001282278.2, NM_001400460.1, NM_001400462.1 and 5 more transcripts); c.385T>A, p.Leu129Ile (NM_001400459.1); c.346T>A, p.Leu116Ile (NM_001400461.1); short protein forms L416I, L78I, L116I, L128I, L129I.
Identifiers: ClinVar variation 2088660 (VCV002088660.4), dbSNP rs1755321480, ClinGen allele CA361139967.